The following is an entry in ClinVar:

ClinVar aggregate classification (germline): Pathogenic (1 of 4 stars; one submission).

Conditions:
Juvenile polyposis syndrome (JPS). Identifiers: Orphanet 2929, MedGen C0345893, MONDO:0017380, OMIM 174900.

Submission:

Labcorp Genetics (formerly Invitae), Labcorp
Classification: Pathogenic for Juvenile polyposis syndrome. Last evaluated: 2025-11-05. Review status: criteria provided, single submitter. Criteria: Invitae Variant Classification Sherloc (09022015). Collection method: clinical testing. Allele origin: germline.
Comment: This sequence change creates a premature translational stop signal (p.Gln248Leufs*82) in the SMAD4 gene. It is expected to result in an absent or disrupted protein product. Loss-of-function variants in SMAD4 are known to be pathogenic (PMID: 16152648, 16436638, 22810475). This variant is not present in population databases (gnomAD no frequency). This variant has not been reported in the literature in individuals affected with SMAD4-related conditions. For these reasons, this variant has been classified as Pathogenic.

Literature cited by the submitters: PubMed 16152648; PubMed 16436638; PubMed 22810475.

NM_005359.6(SMAD4):c.743_761del (p.Gln248fs)

Gene: SMAD4 (SMAD family member 4; plus strand). Cytogenetic location: 18q21.2.
Variant type: Deletion.
Coding change: c.743_761del on transcript NM_005359.6 (MANE Select); coding-DNA positions 743 to 761, 19 bases deleted (AGCAGCAGAATGGATTTAC).
Protein change: p.Gln248fs; shifts the reading frame from glutamine 248.
Molecular consequence: frameshift variant. On other transcripts: non-coding transcript variant (2).
Genome position (GRCh38, 1-based): chr18:51,058,200-51,058,218, AGCAGCAGAATGGATTTAC deleted; deleting any 19 consecutive bases within chr18:51,058,198-51,058,218 gives the same sequence; the c. name uses the placement nearest the transcript's 3' end. VCF-style (leftmost placement, unchanged base first): chr18-51058197-GACAGCAGCAGAATGGATTT-G. GRCh37 (hg19) VCF-style: chr18-48584567-GACAGCAGCAGAATGGATTT-G.
Other names: c.743_761del, p.Gln248fs (NM_001407041.1, NM_001407042.1, NM_001407043.1); short protein forms Q248fs.
Identifiers: ClinVar variation 4730536 (VCV004730536.1).